The following is an entry in ClinVar:

NM_000038.6(APC):c.2077A>G (p.Lys693Glu)

Gene: APC (APC regulator of Wnt signaling pathway; plus strand). Cytogenetic location: 5q22.2.
Variant type: single nucleotide variant.
Coding change: c.2077A>G on transcript NM_000038.6 (MANE Select); coding-DNA position 2077, A replaced by G.
Protein change: p.Lys693Glu; replaces lysine 693 with glutamic acid.
Molecular consequence: missense variant.
Genome position (GRCh38, 1-based): chr5:112,837,671, A>G. VCF-style: chr5-112837671-A-G. GRCh37 (hg19) VCF-style: chr5-112173368-A-G.
Other names: c.2077A>G, p.Lys693Glu (NM_001127510.3, NM_001354895.2); c.2023A>G, p.Lys675Glu (NM_001127511.3); c.2131A>G, p.Lys711Glu (NM_001354896.2); c.2107A>G, p.Lys703Glu (NM_001354897.2); c.2002A>G, p.Lys668Glu (NM_001354898.2); c.1993A>G, p.Lys665Glu (NM_001354899.2); c.1954A>G, p.Lys652Glu (NM_001354900.2); c.1900A>G, p.Lys634Glu (NM_001354901.2); and 5 more; short protein forms K675E, K693E, K652E, K533E, K592E, K634E, K665E, K567E.
Identifiers: ClinVar variation 428171 (VCV000428171.14), dbSNP rs773985321, ClinGen allele CA030685.

ClinVar aggregate classification (germline): Uncertain significance. Review status: criteria provided, multiple submitters, no conflicts (2 of 4 stars). 3 submissions from 3 submitters: Uncertain significance (3). Last evaluated 2024-08-27.

Conditions:
Hereditary cancer-predisposing syndrome. Also called: Hereditary Cancer Syndrome; Neoplastic Syndromes, Hereditary; Hereditary neoplastic syndrome; Tumor predisposition. Identifiers: Orphanet 140162, MedGen C0027672, MeSH D009386, MONDO:0015356.
Familial adenomatous polyposis 1 (FAP1). Also called: FAMILIAL ADENOMATOUS POLYPOSIS 1, ATTENUATED; POLYPOSIS, ADENOMATOUS INTESTINAL. Identifiers: MedGen C2713442, MONDO:0021056, OMIM 175100. Disease mechanism: loss of function.
Classic or attenuated familial adenomatous polyposis. Identifiers: MedGen CN372698, MONDO:0021057.

Allele frequency attached by ClinVar (database versions not stated): gnomAD exomes below 0.00001; ExAC 0.00001.
gnomAD v4.1: 1 of 1,614,128 alleles (0.000062%); highest among the groups gnomAD compares: African/African-American, 0.0013%; no homozygotes.

Submissions (3):

Labcorp Genetics (formerly Invitae), Labcorp
Classification: Uncertain significance for Familial adenomatous polyposis 1. Last evaluated: 2024-08-27. Review status: criteria provided, single submitter. Criteria: Invitae Variant Classification Sherloc (09022015). Collection method: clinical testing. Allele origin: germline.
Comment: This sequence change replaces lysine, which is basic and polar, with glutamic acid, which is acidic and polar, at codon 693 of the APC protein (p.Lys693Glu). This variant is present in population databases (rs773985321, gnomAD 0.007%). This variant has not been reported in the literature in individuals affected with APC-related conditions. ClinVar contains an entry for this variant (Variation ID: 428171). Invitae Evidence Modeling of protein sequence and biophysical properties (such as structural, functional, and spatial information, amino acid conservation, physicochemical variation, residue mobility, and thermodynamic stability) indicates that this missense variant is not expected to disrupt APC protein function with a negative predictive value of 95%. In summary, the available evidence is currently insufficient to determine the role of this variant in disease. Therefore, it has been classified as a Variant of Uncertain Significance.

All of Us Research Program, National Institutes of Health
Classification: Uncertain significance for Classic or attenuated familial adenomatous polyposis. Last evaluated: 2023-12-18. Review status: criteria provided, single submitter. Criteria: ACMG Guidelines, 2015. Collection method: clinical testing. Allele origin: germline. Inheritance: Autosomal dominant inheritance. Observed: 1 variant allele, 1 heterozygote.
Comment: This missense variant replaces lysine with glutamic acid at codon 693 of the APC protein. Computational prediction suggests that this variant may not impact protein structure and function (internally defined REVEL score threshold <= 0.5, PMID: 27666373). To our knowledge, functional studies have not been reported for this variant. This variant has not been reported in individuals affected with APC-related disorders in the literature. This variant has been identified in 1/250804 chromosomes in the general population by the Genome Aggregation Database (gnomAD). The available evidence is insufficient to determine the role of this variant in disease conclusively. Therefore, this variant is classified as a Variant of Uncertain Significance.

This study involves interpretation of variants in research participants for the purpose of population health screening. Participant phenotype was not available at the time of variant classification. Additional details can be found in publication PMID: 35346344, PMCID: PMC8962531

Ambry Genetics
Classification: Uncertain significance for Hereditary cancer-predisposing syndrome. Last evaluated: 2022-03-23. Review status: criteria provided, single submitter. Criteria: Ambry Variant Classification Scheme 2023. Collection method: clinical testing. Allele origin: germline.
Comment: The p.K693E variant (also known as c.2077A>G), located in coding exon 15 of the APC gene, results from an A to G substitution at nucleotide position 2077. The lysine at codon 693 is replaced by glutamic acid, an amino acid with similar properties. This amino acid position is highly conserved in available vertebrate species. In addition, in silico predictors for this gene do not accurately predict pathogenicity. Since supporting evidence is limited at this time, the clinical significance of this alteration remains unclear.